The following is an entry in ClinVar:

ClinVar aggregate classification (germline): Uncertain significance (1 of 4 stars; one submission).

Conditions:
Hypogonadotropic hypogonadism 1 with or without anosmia (HH1). Also called: Kallmann syndrome, type 1, X-linked; DYSPLASIA OLFACTOGENITALIS OF DE MORSIER; HYPOGONADOTROPIC HYPOGONADISM 1 WITH ANOSMIA; KAL1-Related GnRH Deficiency (Kallmann Syndrome 1; Kallmann Syndrome, X-Linked); Hypogonadotropic hypogonadism 1 with or without anosmia (Kallmann syndrome 1); HYPOGONADOTROPIC HYPOGONADISM AND ANOSMIA. Identifiers: Orphanet 478, MedGen C1563719, MONDO:0010635, OMIM 308700. Disease mechanism: loss of function.

Submission:

Labcorp Genetics (formerly Invitae), Labcorp
Classification: Uncertain significance for Hypogonadotropic hypogonadism 1 with or without anosmia. Last evaluated: 2025-03-13. Review status: criteria provided, single submitter. Criteria: Invitae Variant Classification Sherloc (09022015). Collection method: clinical testing. Allele origin: germline.
Comment: This sequence change results in a frameshift in the ANOS1 gene (p.Pro653Argfs*37). While this is not anticipated to result in nonsense mediated decay, it is expected to disrupt the last 28 amino acid(s) of the ANOS1 protein and extend the protein by 8 additional amino acid residues. This variant is not present in population databases (gnomAD no frequency). This variant has not been reported in the literature in individuals affected with ANOS1-related conditions. Experimental studies and prediction algorithms are not available or were not evaluated, and the functional significance of this variant is currently unknown. In summary, the available evidence is currently insufficient to determine the role of this variant in disease. Therefore, it has been classified as a Variant of Uncertain Significance.

NM_000216.4(ANOS1):c.1956_1957dup (p.Pro653fs)

Gene: ANOS1 (anosmin 1; minus strand). Cytogenetic location: Xp22.31.
Variant type: Duplication.
Coding change: c.1956_1957dup on transcript NM_000216.4 (MANE Select); coding-DNA positions 1956 to 1957, 2 bases duplicated (GC; older notation c.1956_1957dupGC).
Protein change: p.Pro653fs; shifts the reading frame from proline 653.
Molecular consequence: frameshift variant.
Genome position (GRCh38, 1-based): chrX:8,534,346-8,534,347, GC duplicated on the plus strand (GC on the coding strand, the reverse complement: ANOS1 is on the minus strand); duplicating any 2 consecutive bases within chrX:8,534,346-8,534,348 gives the same sequence; the c. name uses the placement nearest the transcript's 3' end. VCF-style (leftmost placement, unchanged base first): chrX-8534345-G-GGC. GRCh37 (hg19) VCF-style: chrX-8502386-G-GGC.
Other names: short protein forms P653fs.
Identifiers: ClinVar variation 4711638 (VCV004711638.1).